The following is an entry in ClinVar:

NM_000334.4(SCN4A):c.1514A>G (p.Asp505Gly)

Gene: SCN4A (sodium voltage-gated channel alpha subunit 4; minus strand). Cytogenetic location: 17q23.3.
Variant type: single nucleotide variant.
Coding change: c.1514A>G on transcript NM_000334.4 (MANE Select); coding-DNA position 1514, A replaced by G.
Protein change: p.Asp505Gly; replaces aspartic acid 505 with glycine.
Molecular consequence: missense variant.
Genome position (GRCh38, 1-based): chr17:63,963,764, T>C on the plus strand (A>G on the coding strand, the complement: SCN4A is on the minus strand). VCF-style: chr17-63963764-T-C. GRCh37 (hg19) VCF-style: chr17-62041124-T-C.
Other names: short protein forms D505G.
Identifiers: ClinVar variation 2727323 (VCV002727323.3), dbSNP rs1909345706, ClinGen allele CA400634598.
Genomic context (GRCh38, chr17:63,963,764, plus strand): 5'-CTGCTGCTCTGCCTCGGGGCTCCCTTCTCCCCTTGCGATGTGTCCAGGCTGCCATTGCAG[T>C]CTTTGCCATGGGCTGGGTCCCCATCTGCCTCCCCACCTTCCAGAGCTTGGGCGGCCTTGG-3'
Protein context (NP_000325.4, residues 495-515): EADGDPAHGK[Asp505Gly]CNGSLDTSQG

ClinVar aggregate classification (germline): Uncertain significance (1 of 4 stars; one submission).

Conditions:
Hyperkalemic periodic paralysis. Also called: Familial hyperkalemic periodic paralysis; Gamstorp disease. Identifiers: Orphanet 682, MedGen C0238357, MONDO:0008224, OMIM 170500, HP:0007215.

Allele frequency attached by ClinVar (database versions not stated): TOPMed below 0.00001.

Submission:

Labcorp Genetics (formerly Invitae), Labcorp
Classification: Uncertain significance for Hyperkalemic periodic paralysis. Last evaluated: 2023-08-27. Review status: criteria provided, single submitter. Criteria: Invitae Variant Classification Sherloc (09022015). Collection method: clinical testing. Allele origin: germline.
Comment: In summary, the available evidence is currently insufficient to determine the role of this variant in disease. Therefore, it has been classified as a Variant of Uncertain Significance. Advanced modeling of protein sequence and biophysical properties (such as structural, functional, and spatial information, amino acid conservation, physicochemical variation, residue mobility, and thermodynamic stability) has been performed at Invitae for this missense variant, however the output from this modeling did not meet the statistical confidence thresholds required to predict the impact of this variant on SCN4A protein function. This variant has not been reported in the literature in individuals affected with SCN4A-related conditions. This variant is not present in population databases (gnomAD no frequency). This sequence change replaces aspartic acid, which is acidic and polar, with glycine, which is neutral and non-polar, at codon 505 of the SCN4A protein (p.Asp505Gly).